The following is an entry in ClinVar:

ClinVar aggregate classification (germline): Likely benign. Review status: criteria provided, multiple submitters, no conflicts (2 of 4 stars). 5 submissions from 5 submitters: Likely benign (4). 1 of the submissions does not count toward it. Last evaluated 2026-06-01.

Conditions:
HMOX1-related disorder. Also called: HMOX1-related condition.

Allele frequency attached by ClinVar (database versions not stated): gnomAD 0.00006; TOPMed 0.00011.

Submissions (5):

CeGaT Center for Human Genetics Tuebingen
Classification: Likely benign. Last evaluated: 2026-06-01. Review status: criteria provided, single submitter. Criteria: CeGaT Center For Human Genetics Tuebingen Variant Classification Criteria Version 2. Collection method: clinical testing. Allele origin: germline. Affected: yes. Observed: 1 variant allele.
Comment: HMOX1: BP4, BP7

Labcorp Genetics (formerly Invitae), Labcorp
Classification: Likely benign. Last evaluated: 2025-09-23. Review status: criteria provided, single submitter. Criteria: Invitae Variant Classification Sherloc (09022015). Collection method: clinical testing. Allele origin: germline.

Blueprint Genetics
Classification: Likely benign. Last evaluated: 2024-11-07. Review status: criteria provided, single submitter. Criteria: ACMG Guidelines, 2015. Collection method: clinical testing. Allele origin: germline.

Breakthrough Genomics
Classification: Likely benign. Review status: criteria provided, single submitter. Criteria: ACMG Guidelines, 2015. Collection method: not provided. Allele origin: germline. Inheritance: Autosomal recessive inheritance. Affected: yes.

PreventionGenetics, part of Exact Sciences
Classification: Likely benign for HMOX1-related condition. Last evaluated: 2019-07-19. Review status: no assertion criteria provided. Collection method: clinical testing. Allele origin: germline. Not counted in ClinVar's aggregate classification.
Comment: This variant is classified as likely benign based on ACMG/AMP sequence variant interpretation guidelines (Richards et al. 2015 PMID: 25741868, with internal and published modifications).

NM_002133.3(HMOX1):c.135C>T (p.Asp45=)

Gene: HMOX1 (heme oxygenase 1; plus strand). Cytogenetic location: 22q12.3.
Variant type: single nucleotide variant.
Coding change: c.135C>T on transcript NM_002133.3 (MANE Select); coding-DNA position 135, C replaced by T.
Protein change: p.Asp45=; no amino-acid change (aspartic acid 45 retained).
Molecular consequence: synonymous variant.
Genome position (GRCh38, 1-based): chr22:35,383,217, C>T. VCF-style: chr22-35383217-C-T. GRCh37 (hg19) VCF-style: chr22-35779210-C-T.
Other names: c.135C>T (NM_002133.2).
Identifiers: ClinVar variation 1595809 (VCV001595809.13), dbSNP rs768627741, ClinGen allele CA10204622.